The following is an entry in ClinVar:

NM_145309.6(LRRC51):c.330del (p.His110fs)

Genes: LRRC51 (leucine rich repeat containing 51; plus strand), LRTOMT (leucine rich transmembrane and O-methyltransferase domain containing; plus strand). Cytogenetic location: 11q13.4.
Variant type: Deletion.
Coding change: c.330del on transcript NM_145309.6 (MANE Select); coding-DNA position 330, one base deleted (C; older notation c.330delC).
Protein change: p.His110fs; shifts the reading frame from histidine 110.
Molecular consequence: frameshift variant. On other transcripts: non-coding transcript variant (2), 5 prime UTR variant (3).
Genome position (GRCh38, 1-based): chr11:72,094,989, C deleted. VCF-style (leftmost placement, unchanged base first): chr11-72094988-AC-A. GRCh37 (hg19) VCF-style: chr11-71806034-AC-A.
Other names: c.330del, p.His110fs (NM_001145307.5, NM_001271471.3, NM_001318803.2); c.276del, p.His92fs (NM_001205138.4); c.-74del (NM_001145308.5, NM_001145309.4, NM_001145310.4); short protein forms H110fs, H92fs.
Identifiers: ClinVar variation 1699172 (VCV001699172.3), dbSNP rs2136541413, ClinGen allele CA923726165.

ClinVar aggregate classification (germline): Uncertain significance (1 of 4 stars; one submission).

Conditions:
Autosomal recessive nonsyndromic hearing loss 63. Identifiers: Orphanet 90636, MedGen C1969621, MONDO:0012670, OMIM 611451.

Allele frequency attached by ClinVar (database versions not stated): gnomAD exomes below 0.00001.

Submission:

Victorian Clinical Genetics Services, Murdoch Childrens Research Institute
Classification: Uncertain significance for Autosomal recessive nonsyndromic hearing loss 63. Last evaluated: 2020-05-25. Review status: criteria provided, single submitter. Criteria: ACMG Guidelines, 2015. Collection method: clinical testing. Allele origin: germline. Inheritance: Autosomal recessive inheritance.
Comment: Based on the classification scheme VCGS_Germline_v1.1.1, this variant is classified as 3B-VUS. Following criteria are met: 0102 - Loss-of-function is a known mechanism of disease for this gene. (N) 0106 - This gene is known to be associated with autosomal recessive disease. (N) 0202 - Variant is predicted to cause nonsense-mediated decay (NMD) and loss of protein but is located in an exon that may undergo alternative splicing (exon 5 of 6). (P) 0251 - Variant is heterozygous. (N) 0301 - Variant is absent from gnomAD. (P) 0705 - No comparable variants in this transcript have been reported in the literature. (N) 0807 - Variant has not previously been reported in a clinical context. (N) 0905 - No segregation evidence has been identified for this variant. (N) 1007 - No published functional evidence has been identified for this variant. (N) 1208 - Inheritance information for this variant is not currently available. (N) Legend: (P) - Pathogenic, (N) - Neutral, (B) - Benign